The following is an entry in ClinVar:

NM_001369369.1(FOXN1):c.1238del (p.Leu413fs)

Gene: FOXN1 (forkhead box N1; plus strand). Cytogenetic location: 17q11.2.
Variant type: Deletion.
Coding change: c.1238del on transcript NM_001369369.1 (MANE Select); coding-DNA position 1238, one base deleted (T; older notation c.1238delT).
Protein change: p.Leu413fs; shifts the reading frame from leucine 413.
Molecular consequence: frameshift variant.
Genome position (GRCh38, 1-based): chr17:28,534,809, T deleted. VCF-style (leftmost placement, unchanged base first): chr17-28534808-CT-C. GRCh37 (hg19) VCF-style: chr17-26861826-CT-C.
Other names: c.1238del, p.Leu413fs (NM_003593.3); short protein forms L413fs.
Identifiers: ClinVar variation 3643502 (VCV003643502.3).

ClinVar aggregate classification (germline): Pathogenic/Likely pathogenic. Review status: criteria provided, multiple submitters, no conflicts (2 of 4 stars). 2 submissions from 2 submitters: Pathogenic (1); Likely pathogenic (1). Last evaluated 2024-02-27.

Conditions:
FOXN1-related disorders.
T-cell immunodeficiency, congenital alopecia, and nail dystrophy. Also called: Congenital alopecia and nail dystrophy associated with severe functional T-cell immunodeficiency; Pignata Guarino syndrome. Identifiers: Orphanet 169095, MedGen C1866426, MONDO:0011132, OMIM 601705.

Submissions (2):

Labcorp Genetics (formerly Invitae), Labcorp
Classification: Pathogenic for T-cell immunodeficiency, congenital alopecia, and nail dystrophy. Last evaluated: 2024-02-27. Review status: criteria provided, single submitter. Criteria: Invitae Variant Classification Sherloc (09022015). Collection method: clinical testing. Allele origin: germline.
Comment: This sequence change creates a premature translational stop signal (p.Leu413Argfs*137) in the FOXN1 gene. While this is not anticipated to result in nonsense mediated decay, it is expected to disrupt the last 236 amino acid(s) of the FOXN1 protein. This variant is not present in population databases (gnomAD no frequency). This variant has not been reported in the literature in individuals affected with FOXN1-related conditions. This variant disrupts a region of the FOXN1 protein in which other variant(s) (p.Gln489Argfs*61) have been determined to be pathogenic (PMID: 31566583). This suggests that this is a clinically significant region of the protein, and that variants that disrupt it are likely to be disease-causing. For these reasons, this variant has been classified as Pathogenic.

Blueprint Genetics
Classification: Likely pathogenic for FOXN1-related disorders. Last evaluated: 2021-01-14. Review status: criteria provided, single submitter. Criteria: ACMG Guidelines, 2015. Collection method: clinical testing. Allele origin: germline. Affected: yes. Observed: 3 variant alleles.

Literature cited by the submitters: PubMed 31566583 (cited by Labcorp Genetics (formerly Invitae), Labcorp).